The following is an entry in ClinVar:

ClinVar aggregate classification (germline): Likely benign (1 of 4 stars; one submission).

Allele frequency attached by ClinVar (database versions not stated): 1000 Genomes Project 0.00140; 1000 Genomes Project 30x 0.00141; ESP Exome Variant Server 0.00149; gnomAD 0.00184; TOPMed 0.00204.
gnomAD v4.1: 512 of 1,535,396 alleles (0.033%); highest among the groups gnomAD compares: African/African-American, 0.57%; 3 homozygotes.

Submission:

CeGaT Center for Human Genetics Tuebingen
Classification: Likely benign. Last evaluated: 2023-02-01. Review status: criteria provided, single submitter. Criteria: CeGaT Center For Human Genetics Tuebingen Variant Classification Criteria Version 2. Collection method: clinical testing. Allele origin: germline. Affected: yes. Observed: 1 variant allele.
Comment: IL17REL: BP4, BP7

NM_001371417.1(IL17REL):c.603A>G (p.Gln201=)

Gene: IL17REL (interleukin 17 receptor E like; minus strand). Cytogenetic location: 22q13.33.
Variant type: single nucleotide variant.
Coding change: c.603A>G on transcript NM_001371417.1 (MANE Select); coding-DNA position 603, A replaced by G.
Protein change: p.Gln201=; no amino-acid change (glutamine 201 retained).
Molecular consequence: synonymous variant.
Genome position (GRCh38, 1-based): chr22:49,999,915, T>C on the plus strand (A>G on the coding strand, the complement: IL17REL is on the minus strand). VCF-style: chr22-49999915-T-C. GRCh37 (hg19) VCF-style: chr22-50438344-T-C.
Other names: c.387A>G, p.Gln129= (NM_001001694.3); c.603A>G, p.Gln201= (NM_001371416.1).
Identifiers: ClinVar variation 2653360 (VCV002653360.24), dbSNP rs370319998, ClinGen allele CA10302075.